The following is an entry in ClinVar:

NM_032043.3(BRIP1):c.3634A>G (p.Asn1212Asp)

Gene: BRIP1 (BRCA1 interacting DNA helicase 1; minus strand). Cytogenetic location: 17q23.2.
Variant type: single nucleotide variant.
Coding change: c.3634A>G on transcript NM_032043.3 (MANE Select); coding-DNA position 3634, A replaced by G.
Protein change: p.Asn1212Asp; replaces asparagine 1212 with aspartic acid.
Molecular consequence: missense variant.
Genome position (GRCh38, 1-based): chr17:61,683,412, T>C on the plus strand (A>G on the coding strand, the complement: BRIP1 is on the minus strand). VCF-style: chr17-61683412-T-C. GRCh37 (hg19) VCF-style: chr17-59760773-T-C.
Other names: c.3634A>G (NM_032043.2); short protein forms N1212D.
Identifiers: ClinVar variation 1491178 (VCV001491178.11), dbSNP rs2144069259, ClinGen allele CA400477939.

ClinVar aggregate classification (germline): Uncertain significance. Review status: criteria provided, multiple submitters, no conflicts (2 of 4 stars). 3 submissions from 3 submitters: Uncertain significance (3). Last evaluated 2025-05-18.

Conditions:
Hereditary cancer-predisposing syndrome. Also called: Neoplastic Syndromes, Hereditary; Tumor predisposition; Hereditary neoplastic syndrome; Hereditary Cancer Syndrome. Identifiers: Orphanet 140162, MedGen C0027672, MeSH D009386, MONDO:0015356.
Fanconi anemia complementation group J. Also called: BRIP1-Related Fanconi Anemia. Identifiers: Orphanet 84, MedGen C1836860, MONDO:0012187, OMIM 609054.
Familial cancer of breast. Also called: BREAST CANCER, FAMILIAL; Hereditary breast cancer; hereditary breast carcinoma. Identifiers: Orphanet 227535, MedGen C0346153, MONDO:0016419, OMIM 114480. Disease mechanism: loss of function.

Submissions (3):

Ambry Genetics
Classification: Uncertain significance for Hereditary cancer-predisposing syndrome. Last evaluated: 2025-05-18. Review status: criteria provided, single submitter. Criteria: Ambry Variant Classification Scheme 2023. Collection method: clinical testing. Allele origin: germline.
Comment: The p.N1212D variant (also known as c.3634A>G), located in coding exon 19 of the BRIP1 gene, results from an A to G substitution at nucleotide position 3634. The asparagine at codon 1212 is replaced by aspartic acid, an amino acid with highly similar properties. This amino acid position is conserved. In addition, this alteration is predicted to be tolerated by in silico analysis. Based on the available evidence, the clinical significance of this variant remains unclear.

Labcorp Genetics (formerly Invitae), Labcorp
Classification: Uncertain significance for Familial cancer of breast; Fanconi anemia complementation group J. Last evaluated: 2025-05-18. Review status: criteria provided, single submitter. Criteria: Invitae Variant Classification Sherloc (09022015). Collection method: clinical testing. Allele origin: germline.
Comment: This sequence change replaces asparagine, which is neutral and polar, with aspartic acid, which is acidic and polar, at codon 1212 of the BRIP1 protein (p.Asn1212Asp). This variant is not present in population databases (gnomAD no frequency). This variant has not been reported in the literature in individuals affected with BRIP1-related conditions. ClinVar contains an entry for this variant (Variation ID: 1491178). Invitae Evidence Modeling of protein sequence and biophysical properties (such as structural, functional, and spatial information, amino acid conservation, physicochemical variation, residue mobility, and thermodynamic stability) indicates that this missense variant is not expected to disrupt BRIP1 protein function with a negative predictive value of 95%. In summary, the available evidence is currently insufficient to determine the role of this variant in disease. Therefore, it has been classified as a Variant of Uncertain Significance.

GeneDx
Classification: Uncertain significance. Last evaluated: 2023-12-22. Review status: criteria provided, single submitter. Criteria: GeneDx Variant Classification Process June 2021. Collection method: clinical testing. Allele origin: germline. Affected: yes.
Comment: Not observed at significant frequency in large population cohorts (gnomAD); In silico analysis supports that this missense variant does not alter protein structure/function; Has not been previously published as pathogenic or benign to our knowledge